The following is an entry in ClinVar:

ClinVar aggregate classification (germline): Uncertain significance (1 of 4 stars; one submission).

Submission:

Women's Health and Genetics/Laboratory Corporation of America, LabCorp
Classification: Uncertain significance. Last evaluated: 2025-07-02. Review status: criteria provided, single submitter. Criteria: LabCorp Variant Classification Summary - May 2015. Collection method: clinical testing. Allele origin: germline.
Comment: Variant summary: ITPR1 c.3104C>T (p.Pro1035Leu) results in a non-conservative amino acid change in the encoded protein sequence. Algorithms developed to predict the effect of missense changes on protein structure and function are either unavailable or do not agree on the potential impact of this missense change. The variant was absent in 249244 control chromosomes. The available data on variant occurrences in the general population are insufficient to allow any conclusion about variant significance. To our knowledge, no occurrence of c.3104C>T in individuals affected with Spinocerebellar Ataxia 29 and no experimental evidence demonstrating its impact on protein function have been reported. No submitters have cited clinical-significance assessments for this variant to ClinVar. Based on the evidence outlined above, the variant was classified as uncertain significance.

NM_001378452.1(ITPR1):c.3176C>T (p.Pro1059Leu)

Gene: ITPR1 (inositol 1,4,5-trisphosphate receptor type 1; plus strand). Cytogenetic location: 3p26.1.
Variant type: single nucleotide variant.
Coding change: c.3176C>T on transcript NM_001378452.1 (MANE Select); coding-DNA position 3176, C replaced by T.
Protein change: p.Pro1059Leu; replaces proline 1059 with leucine.
Molecular consequence: missense variant.
Genome position (GRCh38, 1-based): chr3:4,683,400, C>T. VCF-style: chr3-4683400-C-T. GRCh37 (hg19) VCF-style: chr3-4725084-C-T.
Other names: c.3149C>T, p.Pro1050Leu (NM_001099952.4); c.3131C>T, p.Pro1044Leu (NM_001168272.2); c.3104C>T, p.Pro1035Leu (NM_002222.7); short protein forms P1035L, P1044L, P1050L, P1059L.
Identifiers: ClinVar variation 3911976 (VCV003911976.2).
Genomic context (GRCh38, chr3:4,683,400, plus strand): 5'-GGCATTTGTCATTCATTTGGCCTTTCCCCACCTTGTGCTCCTTTAGTGAGGAGAACACCC[C>T]ACTGGACTTGGATGACCACGGCGGCAGAACCTTTCTCCGTGTCCTGCTCCACTTGACGAT-3'
Protein context (NP_001365381.1, residues 1049-1069): GIFGGSEENT[Pro1059Leu]LDLDDHGGRT